The following is an entry in ClinVar:

ClinVar aggregate classification (germline): Uncertain significance. Review status: criteria provided, multiple submitters, no conflicts (2 of 4 stars). 2 submissions from 2 submitters: Uncertain significance (2). Last evaluated 2026-06-15.

Conditions:
Tuberous sclerosis 1 (TSC1). Identifiers: Orphanet 805, MedGen C1854465, MONDO:0008612, OMIM 191100.
Hereditary cancer-predisposing syndrome. Also called: Hereditary Cancer Syndrome; Hereditary neoplastic syndrome; Neoplastic Syndromes, Hereditary; Tumor predisposition. Identifiers: Orphanet 140162, MedGen C0027672, MeSH D009386, MONDO:0015356.

Submissions (2):

Ambry Genetics
Classification: Uncertain significance for Hereditary cancer-predisposing syndrome. Last evaluated: 2026-06-15. Review status: criteria provided, single submitter. Criteria: Ambry Variant Classification Scheme 2023. Collection method: clinical testing. Allele origin: germline.
Comment: The p.S1043N variant (also known as c.3128G>A), located in coding exon 21 of the TSC1 gene, results from a G to A substitution at nucleotide position 3128. The serine at codon 1043 is replaced by asparagine, an amino acid with highly similar properties. This amino acid position is conserved. In addition, this alteration is predicted to be tolerated by in silico analysis. Based on the available evidence, the clinical significance of this variant remains unclear.

Labcorp Genetics (formerly Invitae), Labcorp
Classification: Uncertain significance for Tuberous sclerosis 1. Last evaluated: 2024-07-25. Review status: criteria provided, single submitter. Criteria: Invitae Variant Classification Sherloc (09022015). Collection method: clinical testing. Allele origin: germline.
Comment: This sequence change replaces serine, which is neutral and polar, with asparagine, which is neutral and polar, at codon 1043 of the TSC1 protein (p.Ser1043Asn). This variant is not present in population databases (gnomAD no frequency). This variant has not been reported in the literature in individuals affected with TSC1-related conditions. Advanced modeling of protein sequence and biophysical properties (such as structural, functional, and spatial information, amino acid conservation, physicochemical variation, residue mobility, and thermodynamic stability) performed at Invitae indicates that this missense variant is not expected to disrupt TSC1 protein function with a negative predictive value of 95%. In summary, the available evidence is currently insufficient to determine the role of this variant in disease. Therefore, it has been classified as a Variant of Uncertain Significance.

NM_000368.5(TSC1):c.3128G>A (p.Ser1043Asn)

Gene: TSC1 (TSC complex subunit 1; minus strand). Cytogenetic location: 9q34.13.
Variant type: single nucleotide variant.
Coding change: c.3128G>A on transcript NM_000368.5 (MANE Select); coding-DNA position 3128, G replaced by A.
Protein change: p.Ser1043Asn; replaces serine 1043 with asparagine.
Molecular consequence: missense variant. On other transcripts: non-coding transcript variant (5).
Genome position (GRCh38, 1-based): chr9:132,896,602, C>T on the plus strand (G>A on the coding strand, the complement: TSC1 is on the minus strand). VCF-style: chr9-132896602-C-T. GRCh37 (hg19) VCF-style: chr9-135771989-C-T.
Other names: c.3125G>A, p.Ser1042Asn (NM_001162426.2, NM_001406597.1, NM_001406598.1 and 2 more transcripts); c.2975G>A, p.Ser992Asn (NM_001162427.2, NM_001406610.1); c.2765G>A, p.Ser922Asn (NM_001362177.2, NM_001406614.1, NM_001406615.1 and 4 more transcripts); c.3128G>A, p.Ser1043Asn (NM_001406592.1, NM_001406593.1, NM_001406594.1 and 2 more transcripts); c.3113G>A, p.Ser1038Asn (NM_001406601.1, NM_001406602.1); c.3110G>A, p.Ser1037Asn (NM_001406603.1, NM_001406604.1); c.3086G>A, p.Ser1029Asn (NM_001406605.1, NM_001406606.1, NM_001406607.1); c.3083G>A, p.Ser1028Asn (NM_001406608.1, NM_001406609.1); and 8 more; short protein forms S1028N, S1038N, S908N, S922N, S977N, S1037N, S725N, S726N.
Identifiers: ClinVar variation 2829680 (VCV002829680.4), dbSNP rs2131607575, ClinGen allele CA375367307.